The following is an entry in ClinVar:

ClinVar aggregate classification (germline): Benign/Likely benign. Review status: criteria provided, multiple submitters, no conflicts (2 of 4 stars). 2 submissions from 2 submitters: Benign (1); Likely benign (1). Last evaluated 2020-09-08.

Conditions:
Amyotrophic lateral sclerosis type 6. Also called: FUS-Related Amyotrophic Laterial Sclerosis; AMYOTROPHIC LATERAL SCLEROSIS 6 WITHOUT FRONTOTEMPORAL DEMENTIA; Amyotrophic lateral sclerosis 6, with or without frontotemporal dementia. Identifiers: Orphanet 275872, Orphanet 803, MedGen C2931786, MONDO:0011951, OMIM 608030.

Allele frequency attached by ClinVar (database versions not stated): gnomAD exomes 0.00081; ExAC 0.00116; 1000 Genomes Project 0.00240; 1000 Genomes Project 30x 0.00312; ESP Exome Variant Server 0.00354; TOPMed 0.00409.
gnomAD v4.1: 996 of 1,604,130 alleles (0.062%); highest among the groups gnomAD compares: African/African-American, 1.1%; 2 homozygotes.

Submissions (2):

GeneDx
Classification: Likely benign. Last evaluated: 2020-09-08. Review status: criteria provided, single submitter. Criteria: GeneDx Variant Classification Process June 2021. Collection method: clinical testing. Allele origin: germline. Affected: yes.

Illumina Laboratory Services, Illumina
Classification: Benign for Amyotrophic lateral sclerosis type 6. Last evaluated: 2018-01-13. Review status: criteria provided, single submitter. Criteria: ICSL Variant Classification Criteria 13 December 2019. Collection method: clinical testing. Allele origin: germline.
Comment: This variant was observed in the ICSL laboratory as part of a predisposition screen in an ostensibly healthy population. It had not been previously curated by ICSL or reported in the Human Gene Mutation Database (HGMD: prior to June 1st, 2018), and was therefore a candidate for classification through an automated scoring system. Utilizing variant allele frequency, disease prevalence and penetrance estimates, and inheritance mode, an automated score was calculated to assess if this variant is too frequent to cause the disease. Based on the score and internal cut-off values, a variant classified as benign is not then subjected to further curation. The score for this variant resulted in a classification of benign for this disease.

NM_004960.4(FUS):c.-47G>A

Gene: FUS (FUS RNA binding protein; plus strand). Cytogenetic location: 16p11.2.
Variant type: single nucleotide variant.
Coding change: c.-47G>A on transcript NM_004960.4 (MANE Select); 47 bases upstream of the start codon, G replaced by A.
Molecular consequence: 5 prime UTR variant. On other transcripts: non-coding transcript variant (1).
Genome position (GRCh38, 1-based): chr16:31,180,168, G>A. VCF-style: chr16-31180168-G-A. GRCh37 (hg19) VCF-style: chr16-31191489-G-A.
Other names: c.-47G>A (NM_001170634.1, NM_001170937.1).
Identifiers: ClinVar variation 887473 (VCV000887473.6), dbSNP rs72550864, ClinGen allele CA8023323.